The following is an entry in ClinVar:

ClinVar aggregate classification (germline): Uncertain significance (1 of 4 stars; one submission).

Submission:

Labcorp Genetics (formerly Invitae), Labcorp
Classification: Uncertain significance. Last evaluated: 2021-05-30. Review status: criteria provided, single submitter. Criteria: Invitae Variant Classification Sherloc (09022015). Collection method: clinical testing. Allele origin: germline.
Comment: This sequence change replaces serine with glycine at codon 553 of the SBF1 protein (p.Ser553Gly). The serine residue is weakly conserved and there is a small physicochemical difference between serine and glycine. This variant is not present in population databases (ExAC no frequency). This variant has not been reported in the literature in individuals with SBF1-related conditions. Algorithms developed to predict the effect of missense changes on protein structure and function output the following: SIFT: "Tolerated"; PolyPhen-2: "Benign"; Align-GVGD: "Class C0". The glycine amino acid residue is found in multiple mammalian species, suggesting that this missense change does not adversely affect protein function. These predictions have not been confirmed by published functional studies and their clinical significance is uncertain. In summary, the available evidence is currently insufficient to determine the role of this variant in disease. Therefore, it has been classified as a Variant of Uncertain Significance.

NM_002972.4(SBF1):c.1657A>G (p.Ser553Gly)

Gene: SBF1 (SET binding factor 1; minus strand). Cytogenetic location: 22q13.33.
Variant type: single nucleotide variant.
Coding change: c.1657A>G on transcript NM_002972.4 (MANE Select); coding-DNA position 1657, A replaced by G.
Protein change: p.Ser553Gly; replaces serine 553 with glycine.
Molecular consequence: missense variant.
Genome position (GRCh38, 1-based): chr22:50,464,421, T>C on the plus strand (A>G on the coding strand, the complement: SBF1 is on the minus strand). VCF-style: chr22-50464421-T-C. GRCh37 (hg19) VCF-style: chr22-50902850-T-C.
Other names: c.1660A>G, p.Ser554Gly (NM_001365819.1); short protein forms S554G, S553G.
Identifiers: ClinVar variation 1398237 (VCV001398237.8), dbSNP rs2067658253, ClinGen allele CA412217341.